The following is an entry in ClinVar:

ClinVar aggregate classification (germline): Uncertain significance (1 of 4 stars; one submission).

Submission:

Labcorp Genetics (formerly Invitae), Labcorp
Classification: Uncertain significance. Last evaluated: 2022-05-29. Review status: criteria provided, single submitter. Criteria: Invitae Variant Classification Sherloc (09022015). Collection method: clinical testing. Allele origin: germline.
Comment: In summary, the available evidence is currently insufficient to determine the role of this variant in disease. Therefore, it has been classified as a Variant of Uncertain Significance. Algorithms developed to predict the effect of missense changes on protein structure and function are either unavailable or do not agree on the potential impact of this missense change (SIFT: "Tolerated"; PolyPhen-2: "Not Available"; Align-GVGD: "Class C0"). This variant has not been reported in the literature in individuals affected with KAT6A-related conditions. This variant is not present in population databases (gnomAD no frequency). This sequence change replaces lysine, which is basic and polar, with arginine, which is basic and polar, at codon 1224 of the KAT6A protein (p.Lys1224Arg).

NM_006766.5(KAT6A):c.3671A>G (p.Lys1224Arg)

Gene: KAT6A (lysine acetyltransferase 6A; minus strand). Cytogenetic location: 8p11.21.
Variant type: single nucleotide variant.
Coding change: c.3671A>G on transcript NM_006766.5 (MANE Select); coding-DNA position 3671, A replaced by G.
Protein change: p.Lys1224Arg; replaces lysine 1224 with arginine.
Molecular consequence: missense variant.
Genome position (GRCh38, 1-based): chr8:41,934,549, T>C on the plus strand (A>G on the coding strand, the complement: KAT6A is on the minus strand). VCF-style: chr8-41934549-T-C. GRCh37 (hg19) VCF-style: chr8-41792067-T-C.
Other names: short protein forms K1224R.
Identifiers: ClinVar variation 2000507 (VCV002000507.4), dbSNP rs2486757828, ClinGen allele CA371068642.